The following is an entry in ClinVar:

ClinVar aggregate classification (germline): Likely pathogenic (1 of 4 stars; one submission).

Conditions:
Action myoclonus-renal failure syndrome. Also called: MYOCLONUS-NEPHROPATHY SYNDROME; EPILEPSY, PROGRESSIVE MYOCLONIC, 4, WITH RENAL FAILURE; EPILEPSY, PROGRESSIVE MYOCLONIC, 4, WITHOUT RENAL FAILURE; SCARB2-Related Action Myoclonus-Renal Failure Syndrome. Identifiers: Orphanet 163696, MedGen C0751779, MeSH D020191, MONDO:0009699, OMIM 254900.

Submission:

Medical Genetics Laboratory, Etlik City Hospital
Classification: Likely pathogenic for Action myoclonus-renal failure syndrome. Last evaluated: 2025-07-01. Review status: criteria provided, single submitter. Criteria: ACMG Guidelines, 2015. Collection method: clinical testing. Allele origin: germline. Inheritance: Autosomal recessive inheritance. Affected: yes. Observed: 1 homozygote.
Comment: This splice site variation in SCARB2 alters the consensus splice site(acceptor site) which predicted to cause exon skipping. The variant has not been previously reported in the literature (PubMed, LitVar2), or in the population data (GnomAD). The proband showed complete compatibility with the related condition. The variant evaluated as likely pathogenic according to ACMG criteria(PVS1, PM2, PP4).

NM_005506.4(SCARB2):c.1240-2A>C

Gene: SCARB2 (scavenger receptor class B member 2; minus strand). Cytogenetic location: 4q21.1.
Variant type: single nucleotide variant.
Coding change: c.1240-2A>C on transcript NM_005506.4 (MANE Select); the canonical splice acceptor site of the intron before coding-DNA position 1240, A replaced by C.
Molecular consequence: splice acceptor variant.
Genome position (GRCh38, 1-based): chr4:76,163,385, T>G on the plus strand (A>C on the coding strand, the complement: SCARB2 is on the minus strand). VCF-style: chr4-76163385-T-G. GRCh37 (hg19) VCF-style: chr4-77084538-T-G.
Other names: c.811-2A>C (NM_001204255.2).
Identifiers: ClinVar variation 4070520 (VCV004070520.1).